The following is an entry in ClinVar:

NM_032447.5(FBN3):c.2033C>T (p.Thr678Met)

Gene: FBN3 (fibrillin 3; minus strand). Cytogenetic location: 19p13.2.
Variant type: single nucleotide variant.
Coding change: c.2033C>T on transcript NM_032447.5 (MANE Select); coding-DNA position 2033, C replaced by T.
Protein change: p.Thr678Met; replaces threonine 678 with methionine.
Molecular consequence: missense variant.
Genome position (GRCh38, 1-based): chr19:8,131,246, G>A on the plus strand (C>T on the coding strand, the complement: FBN3 is on the minus strand). VCF-style: chr19-8131246-G-A. GRCh37 (hg19) VCF-style: chr19-8196130-G-A.
Other names: c.2033C>T, p.Thr678Met (NM_001321431.2); c.2033C>T (NM_032447.3); short protein forms T678M.
Identifiers: ClinVar variation 2712381 (VCV002712381.4), dbSNP rs376408692, ClinGen allele CA9153070.

ClinVar aggregate classification (germline): Uncertain significance. Review status: criteria provided, multiple submitters, no conflicts (2 of 4 stars). 2 submissions from 2 submitters: Uncertain significance (2). Last evaluated 2025-05-16.

Allele frequency attached by ClinVar (database versions not stated): ExAC 0.00007; gnomAD exomes 0.00009; TOPMed 0.00012; gnomAD 0.00013; ESP Exome Variant Server 0.00023.
gnomAD v4.1: 148 of 1,610,460 alleles (0.0092%); highest among the groups gnomAD compares: Middle Eastern, 0.016%; no homozygotes.

Submissions (2):

Ambry Genetics
Classification: Uncertain significance. Last evaluated: 2025-05-16. Review status: criteria provided, single submitter. Criteria: Ambry Variant Classification Scheme 2023. Collection method: clinical testing. Allele origin: germline.

Labcorp Genetics (formerly Invitae), Labcorp
Classification: Uncertain significance. Last evaluated: 2024-10-25. Review status: criteria provided, single submitter. Criteria: Invitae Variant Classification Sherloc (09022015). Collection method: clinical testing. Allele origin: germline.
Comment: This sequence change replaces threonine, which is neutral and polar, with methionine, which is neutral and non-polar, at codon 678 of the FBN3 protein (p.Thr678Met). This variant is present in population databases (rs376408692, gnomAD 0.02%). This variant has not been reported in the literature in individuals affected with FBN3-related conditions. Invitae Evidence Modeling of protein sequence and biophysical properties (such as structural, functional, and spatial information, amino acid conservation, physicochemical variation, residue mobility, and thermodynamic stability) indicates that this missense variant is not expected to disrupt FBN3 protein function with a negative predictive value of 80%. In summary, the available evidence is currently insufficient to determine the role of this variant in disease. Therefore, it has been classified as a Variant of Uncertain Significance.